The following is an entry in ClinVar:

ClinVar aggregate classification (germline): Likely pathogenic (1 of 4 stars; one submission).

Conditions:
Glycine encephalopathy. Also called: Nonketotic hyperglycinemia; Non-ketotic hyperglycinemia. Identifiers: Orphanet 407, MedGen C0751748, MONDO:0011612, HP:0008288.

Submission:

Natera, Inc.
Classification: Likely pathogenic for Non-ketotic hyperglycinemia. Last evaluated: 2025-12-01. Review status: criteria provided, single submitter. Criteria: Natera Variant Classification Schema (03/2026). Collection method: clinical testing. Allele origin: germline.
Comment: The c.2949G>A variant in GLDC is a nonsense variant predicted to introduce a stop codon at amino acid 983. This variant is expected to result in nonsense mediated decay, truncation, or a dysfunctional protein product. This variant is rare in the general population with a frequency below the threshold expected for the associated phenotype(s). Given the available evidence, this variant is classified as Likely Pathogenic.

NM_000170.3(GLDC):c.2949G>A (p.Trp983Ter)

Gene: GLDC (glycine decarboxylase; minus strand). Cytogenetic location: 9p24.1.
Variant type: single nucleotide variant.
Coding change: c.2949G>A on transcript NM_000170.3 (MANE Select); coding-DNA position 2949, G replaced by A.
Protein change: p.Trp983Ter; replaces tryptophan 983 with a stop codon.
Molecular consequence: nonsense.
Genome position (GRCh38, 1-based): chr9:6,533,131, C>T on the plus strand (G>A on the coding strand, the complement: GLDC is on the minus strand). VCF-style: chr9-6533131-C-T. GRCh37 (hg19) VCF-style: chr9-6533131-C-T.
Other names: short protein forms W983*.
Identifiers: ClinVar variation 4817862 (VCV004817862.1).
Genomic context (GRCh38, chr9:6,533,131, plus strand): 5'-TGGGCAGGTACAAACCAGGTGCTGATCTCCATATATGTCATCAATCCGGGCAATCGTTGG[C>T]CAGAATTTGTTCTCTGGTTTCACGAAGGGCTGCAAAGGACAAAAGATGGAAATGCTGTGA-3'